The following is an entry in ClinVar:

ClinVar aggregate classification (germline): Likely pathogenic (1 of 4 stars; one submission).

Conditions:
Retinitis pigmentosa (RP). Identifiers: Orphanet 791, MedGen C0035334, MeSH D012174, MONDO:0019200, OMIM 268000. Inheritance: Autosomal dominant, autosomal recessive and X linked inheritance.

Submission:

Women's Health and Genetics/Laboratory Corporation of America, LabCorp
Classification: Likely pathogenic for Retinitis pigmentosa. Last evaluated: 2022-02-18. Review status: criteria provided, single submitter. Criteria: LabCorp Variant Classification Summary - May 2015. Collection method: clinical testing. Allele origin: germline.
Comment: Variant summary: EYS c.5536_5543delGTGCAATA (p.Val1846SerfsX14) results in a premature termination codon, predicted to cause a truncation of the encoded protein or absence of the protein due to nonsense mediated decay, which are commonly known mechanisms for disease. Truncations downstream of this position have been classified as pathogenic by our laboratory. The variant was absent in 153738 control chromosomes (gnomAD). To our knowledge, no occurrence of c.5536_5543delGTGCAATA in individuals affected with Retinitis Pigmentosa and no experimental evidence demonstrating its impact on protein function have been reported. No clinical diagnostic laboratories have submitted clinical-significance assessments for this variant to ClinVar after 2014. Based on the evidence outlined above, the variant was classified as likely pathogenic.

NM_001142800.2(EYS):c.5536_5543del (p.Val1846fs)

Gene: EYS (EGF-like photoreceptor maintenance factor; minus strand). Cytogenetic location: 6q12.
Variant type: Deletion.
Coding change: c.5536_5543del on transcript NM_001142800.2 (MANE Select); coding-DNA positions 5536 to 5543, 8 bases deleted (GTGCAATA; older notation c.5536_5543delGTGCAATA).
Protein change: p.Val1846fs; shifts the reading frame from valine 1846.
Molecular consequence: frameshift variant.
Genome position (GRCh38, 1-based): chr6:64,590,324-64,590,331, TATTGCAC deleted on the plus strand (GTGCAATA on the coding strand, the reverse complement: EYS is on the minus strand). VCF-style (leftmost placement, unchanged base first): chr6-64590323-ATATTGCAC-A. GRCh37 (hg19) VCF-style: chr6-65300216-ATATTGCAC-A.
Other names: c.5536_5543del, p.Val1846fs (NM_001292009.2); short protein forms V1846fs.
Identifiers: ClinVar variation 1343522 (VCV001343522.1), dbSNP rs2149830976, ClinGen allele CA2573052726.